The following is an entry in ClinVar:

ClinVar aggregate classification (germline): Likely benign (0 of 4 stars; one submission).

Conditions:
PCSK1-related disorder. Also called: PCSK1-related condition.

gnomAD v4.1: 12 of 1,613,938 alleles (0.00074%); highest among the groups gnomAD compares: African/African-American, 0.0013%; no homozygotes.

Submission:

PreventionGenetics, part of Exact Sciences
Classification: Likely benign for PCSK1-related condition. Last evaluated: 2022-02-17. Review status: no assertion criteria provided. Collection method: clinical testing. Allele origin: germline.
Comment: This variant is classified as likely benign based on ACMG/AMP sequence variant interpretation guidelines (Richards et al. 2015 PMID: 25741868, with internal and published modifications).

NM_000439.5(PCSK1):c.1020C>T (p.Ser340=)

Genes: CAST (calpastatin; plus strand), PCSK1 (proprotein convertase subtilisin/kexin type 1; minus strand), LOC101929710 (uncharacterized LOC101929710; plus strand). Cytogenetic location: 5q15.
Variant type: single nucleotide variant.
Coding change: c.1020C>T on transcript NM_000439.5 (MANE Select); coding-DNA position 1020, C replaced by T.
Protein change: p.Ser340=; no amino-acid change (serine 340 retained).
Molecular consequence: synonymous variant. On other transcripts: intron variant (11).
Genome position (GRCh38, 1-based): chr5:96,410,849, G>A on the plus strand (C>T on the coding strand, the complement: PCSK1 is on the minus strand). VCF-style: chr5-96410849-G-A. GRCh37 (hg19) VCF-style: chr5-95746553-G-A.
Other names: c.879C>T, p.Ser293= (NM_001177875.2); c.-175+31197G>A (NM_001423254.1, NM_001423259.1, NM_001423255.1 and 6 more transcripts); c.-103+31197G>A (NM_001423253.1); c.-40+31197G>A (NM_001423258.1).
Identifiers: ClinVar variation 3354777 (VCV003354777.1).